The following is an entry in ClinVar:

NM_000112.4(SLC26A2):c.1048G>T (p.Gly350Ter)

Gene: SLC26A2 (solute carrier family 26 member 2; plus strand). Cytogenetic location: 5q32.
Variant type: single nucleotide variant.
Coding change: c.1048G>T on transcript NM_000112.4 (MANE Select); coding-DNA position 1048, G replaced by T.
Protein change: p.Gly350Ter; replaces glycine 350 with a stop codon.
Molecular consequence: nonsense.
Genome position (GRCh38, 1-based): chr5:149,980,641, G>T. VCF-style: chr5-149980641-G-T. GRCh37 (hg19) VCF-style: chr5-149360204-G-T.
Other names: short protein forms G350*.
Identifiers: ClinVar variation 4817456 (VCV004817456.1).

ClinVar aggregate classification (germline): Likely pathogenic (1 of 4 stars; one submission).

Conditions:
Achondrogenesis, type IB (ACG1B). Also called: Achondrogenesis Type 1B. Identifiers: Orphanet 932, Orphanet 93298, MedGen C0265274, MONDO:0010966, OMIM 600972.

Submission:

Natera, Inc.
Classification: Likely pathogenic for Achondrogenesis type IB. Last evaluated: 2024-12-07. Review status: criteria provided, single submitter. Criteria: Natera Variant Classification Schema (03/2026). Collection method: clinical testing. Allele origin: germline.
Comment: The c.1048G>T variant in SLC26A2 is a nonsense variant predicted to introduce a stop codon at amino acid 350. This variant is expected to result in nonsense mediated decay, truncation, or a dysfunctional protein product. This variant is rare in the general population with a frequency below the threshold expected for the associated phenotype(s). Given the available evidence, this variant is classified as Likely Pathogenic.